The following is an entry in ClinVar:

NM_000267.3(NF1):c.4111delG

Gene: NF1 (neurofibromin 1; plus strand). Cytogenetic location: 17q11.2.
Variant type: Deletion.
Coding change: c.4111delG on transcript NM_000267.3; coding-DNA position 4111, one base deleted (G).
Genome position (GRCh38, 1-based): chr17:31,258,344, G deleted; the last of 2 consecutive G bases (chr17:31,258,343-31,258,344); deleting either gives the same sequence. VCF-style (leftmost placement, unchanged base first): chr17-31258342-AG-A. GRCh37 (hg19) VCF-style: chr17-29585360-AG-A.
Identifiers: ClinVar variation 2818366 (VCV002818366.4), dbSNP rs2508407582, ClinGen allele CA2739267392.

ClinVar aggregate classification (germline): Pathogenic. Review status: criteria provided, multiple submitters, no conflicts (2 of 4 stars). 2 submissions from 2 submitters: Pathogenic (2). Last evaluated 2024-09-06.

Conditions:
Neurofibromatosis, type 1 (NF1). Also called: VON RECKLINGHAUSEN DISEASE; Peripheral type neurofibromatosis; Neurofibromatosis, type I; NEUROFIBROMATOSIS, TYPE I, SOMATIC. Identifiers: Orphanet 636, MedGen C0027831, MONDO:0018975, OMIM 162200. Disease mechanism: loss of function.
Cardiovascular phenotype. Identifiers: MedGen CN230736.
Hereditary cancer-predisposing syndrome. Also called: Tumor predisposition; Neoplastic Syndromes, Hereditary; Hereditary Cancer Syndrome; Hereditary neoplastic syndrome. Identifiers: Orphanet 140162, MedGen C0027672, MeSH D009386, MONDO:0015356.

Submissions (2):

Ambry Genetics
Classification: Pathogenic for Cardiovascular phenotype; Hereditary cancer-predisposing syndrome. Last evaluated: 2024-09-06. Review status: criteria provided, single submitter. Criteria: Ambry Variant Classification Scheme 2023. Collection method: clinical testing. Allele origin: germline.
Comment: The c.4111delG variant, located in coding exon 31 of the NF1 gene, results from a deletion of one nucleotide at nucleotide position 4111, causing a translational frameshift with a predicted alternate stop codon (p.V1371Wfs*14). This variant is considered to be rare based on population cohorts in the Genome Aggregation Database (gnomAD). This alteration is expected to result in loss of function by premature protein truncation or nonsense-mediated mRNA decay. As such, this alteration is interpreted as a disease-causing mutation.

Labcorp Genetics (formerly Invitae), Labcorp
Classification: Pathogenic for Neurofibromatosis, type 1. Last evaluated: 2022-12-03. Review status: criteria provided, single submitter. Criteria: Invitae Variant Classification Sherloc (09022015). Collection method: clinical testing. Allele origin: germline.
Comment: For these reasons, this variant has been classified as Pathogenic. This variant is not present in population databases (gnomAD no frequency). This sequence change creates a premature translational stop signal (p.Val1371Trpfs*14) in the NF1 gene. It is expected to result in an absent or disrupted protein product. Loss-of-function variants in NF1 are known to be pathogenic (PMID: 10712197, 23913538). This variant has not been reported in the literature in individuals affected with NF1-related conditions. Algorithms developed to predict the effect of sequence changes on RNA splicing suggest that this variant may disrupt the consensus splice site.

Literature cited by the submitters: PubMed 10712197 (cited by Labcorp Genetics (formerly Invitae), Labcorp); PubMed 23913538 (cited by Labcorp Genetics (formerly Invitae), Labcorp).